The following is an entry in ClinVar:

ClinVar aggregate classification (germline): Uncertain significance (1 of 4 stars; one submission).

Submission:

Labcorp Genetics (formerly Invitae), Labcorp
Classification: Uncertain significance. Last evaluated: 2024-10-16. Review status: criteria provided, single submitter. Criteria: Invitae Variant Classification Sherloc (09022015). Collection method: clinical testing. Allele origin: germline.
Comment: This sequence change replaces threonine, which is neutral and polar, with arginine, which is basic and polar, at codon 84 of the TIMP3 protein (p.Thr84Arg). This variant is not present in population databases (gnomAD no frequency). This variant has not been reported in the literature in individuals affected with TIMP3-related conditions. An algorithm developed to predict the effect of missense changes on protein structure and function (PolyPhen-2) suggests that this variant is likely to be disruptive. In summary, the available evidence is currently insufficient to determine the role of this variant in disease. Therefore, it has been classified as a Variant of Uncertain Significance.

NM_000362.5(TIMP3):c.251C>G (p.Thr84Arg)

Genes: SYN3 (synapsin III; minus strand), TIMP3 (TIMP metallopeptidase inhibitor 3; plus strand). Cytogenetic location: 22q12.3.
Variant type: single nucleotide variant.
Coding change: c.251C>G on transcript NM_000362.5 (MANE Select); coding-DNA position 251, C replaced by G.
Protein change: p.Thr84Arg; replaces threonine 84 with arginine.
Molecular consequence: missense variant. On other transcripts: intron variant (7).
Genome position (GRCh38, 1-based): chr22:32,857,295, C>G. VCF-style: chr22-32857295-C-G. GRCh37 (hg19) VCF-style: chr22-33253282-C-G.
Other names: c.708+7620G>C (NM_001369909.1, NM_001135774.2, NM_001369910.1); c.711+7620G>C (NM_001369907.1, NM_003490.4, NM_001369908.1 and 1 more transcripts); short protein forms T84R.
Identifiers: ClinVar variation 3722980 (VCV003722980.2).